The following is an entry in ClinVar:

NM_001371904.1(APOA5):c.648C>A (p.His216Gln)

Gene: APOA5 (apolipoprotein A5; minus strand). Cytogenetic location: 11q23.3.
Variant type: single nucleotide variant.
Coding change: c.648C>A on transcript NM_001371904.1 (MANE Select); coding-DNA position 648, C replaced by A.
Protein change: p.His216Gln; replaces histidine 216 with glutamine.
Molecular consequence: missense variant.
Genome position (GRCh38, 1-based): chr11:116,790,581, G>T on the plus strand (C>A on the coding strand, the complement: APOA5 is on the minus strand). VCF-style: chr11-116790581-G-T. GRCh37 (hg19) VCF-style: chr11-116661297-G-T.
Other names: c.648C>A (NM_052968.4); c.648C>A, p.His216Gln (NM_001166598.2, NM_052968.5); short protein forms H216Q.
Identifiers: ClinVar variation 1944909 (VCV001944909.6), dbSNP rs370906477, ClinGen allele CA382737619.

ClinVar aggregate classification (germline): Uncertain significance. Review status: criteria provided, multiple submitters, no conflicts (2 of 4 stars). 2 submissions from 2 submitters: Uncertain significance (2). Last evaluated 2025-08-20.

Conditions:
Cardiovascular phenotype. Identifiers: MedGen CN230736.

Submissions (2):

Ambry Genetics
Classification: Uncertain significance for Cardiovascular phenotype. Last evaluated: 2025-08-20. Review status: criteria provided, single submitter. Criteria: Ambry Variant Classification Scheme 2023. Collection method: clinical testing. Allele origin: germline.
Comment: The p.H216Q variant (also known as c.648C>A), located in coding exon 3 of the APOA5 gene, results from a C to A substitution at nucleotide position 648. The histidine at codon 216 is replaced by glutamine, an amino acid with highly similar properties. This amino acid position is conserved. In addition, this alteration is predicted to be tolerated by in silico analysis. Based on the available evidence, the clinical significance of this variant remains unclear.

Labcorp Genetics (formerly Invitae), Labcorp
Classification: Uncertain significance. Last evaluated: 2022-02-18. Review status: criteria provided, single submitter. Criteria: Invitae Variant Classification Sherloc (09022015). Collection method: clinical testing. Allele origin: germline.
Comment: This sequence change replaces histidine, which is basic and polar, with glutamine, which is neutral and polar, at codon 216 of the APOA5 protein (p.His216Gln). This variant is not present in population databases (gnomAD no frequency). This variant has not been reported in the literature in individuals affected with APOA5-related conditions. Algorithms developed to predict the effect of missense changes on protein structure and function are either unavailable or do not agree on the potential impact of this missense change (SIFT: "Deleterious"; PolyPhen-2: "Probably Damaging"; Align-GVGD: "Class C0"). In summary, the available evidence is currently insufficient to determine the role of this variant in disease. Therefore, it has been classified as a Variant of Uncertain Significance.